The following is an entry in ClinVar:

NM_006946.4(SPTBN2):c.4985+11C>T

Gene: SPTBN2 (spectrin beta, non-erythrocytic 2; minus strand). Cytogenetic location: 11q13.2.
Variant type: single nucleotide variant.
Coding change: c.4985+11C>T on transcript NM_006946.4 (MANE Select); 11 bases into the intron after coding-DNA position 4985, C replaced by T.
Molecular consequence: intron variant.
Genome position (GRCh38, 1-based): chr11:66,692,959, G>A on the plus strand (C>T on the coding strand, the complement: SPTBN2 is on the minus strand). VCF-style: chr11-66692959-G-A. GRCh37 (hg19) VCF-style: chr11-66460430-G-A.
Identifiers: ClinVar variation 305552 (VCV000305552.15), dbSNP rs11227572, ClinGen allele CA6128422.

ClinVar aggregate classification (germline): Benign/Likely benign. Review status: criteria provided, multiple submitters, no conflicts (2 of 4 stars). 5 submissions from 4 submitters: Benign (3); Likely benign (2). Last evaluated 2026-01-27.

Conditions:
Autosomal recessive spinocerebellar ataxia 14. Also called: CEREBELLAR ATAXIA, AUTOSOMAL RECESSIVE, SPECTRIN-ASSOCIATED, 1. Identifiers: Orphanet 352403, MedGen C4706415, MONDO:0014159, OMIM 615386.
Spinocerebellar ataxia type 5 (SCA5). Identifiers: Orphanet 98766, MedGen C0752123, MONDO:0010848, OMIM 600224.

Allele frequency attached by ClinVar (database versions not stated): 1000 Genomes Project 0.00659; 1000 Genomes Project 30x 0.00671; TOPMed 0.00679; gnomAD 0.00707 and 0.00733; ESP Exome Variant Server 0.00708.

Submissions (5):

Labcorp Genetics (formerly Invitae), Labcorp
Classification: Benign. Last evaluated: 2026-01-27. Review status: criteria provided, single submitter. Criteria: Invitae Variant Classification Sherloc (09022015). Collection method: clinical testing. Allele origin: germline.

GeneDx
Classification: Likely benign. Last evaluated: 2021-05-19. Review status: criteria provided, single submitter. Criteria: GeneDx Variant Classification Process June 2021. Collection method: clinical testing. Allele origin: germline. Affected: yes.

Illumina Laboratory Services, Illumina
Classification: Benign for Spinocerebellar ataxia type 5. Last evaluated: 2018-01-12. Review status: criteria provided, single submitter. Criteria: ICSL Variant Classification Criteria 13 December 2019. Collection method: clinical testing. Allele origin: germline.
Comment: This variant was observed in the ICSL laboratory as part of a predisposition screen in an ostensibly healthy population. It had not been previously curated by ICSL or reported in the Human Gene Mutation Database (HGMD: prior to June 1st, 2018), and was therefore a candidate for classification through an automated scoring system. Utilizing variant allele frequency, disease prevalence and penetrance estimates, and inheritance mode, an automated score was calculated to assess if this variant is too frequent to cause the disease. Based on the score and internal cut-off values, a variant classified as benign is not then subjected to further curation. The score for this variant resulted in a classification of benign for this disease.

Illumina Laboratory Services, Illumina
Classification: Benign for Autosomal recessive spinocerebellar ataxia 14. Last evaluated: 2018-01-12. Review status: criteria provided, single submitter. Criteria: ICSL Variant Classification Criteria 13 December 2019. Collection method: clinical testing. Allele origin: germline.
Comment: the same text as in the submission from Illumina Laboratory Services, Illumina above.

Breakthrough Genomics
Classification: Likely benign. Review status: criteria provided, single submitter. Criteria: ACMG Guidelines, 2015. Collection method: not provided. Allele origin: germline. Inheritance: Autosomal recessive inheritance. Affected: yes.